The following is an entry in ClinVar:

ClinVar aggregate classification (germline): Uncertain significance (1 of 4 stars; one submission).

Conditions:
Primary dilated cardiomyopathy (DCM). Also called: Dilated Cardiomyopathy. Identifiers: Orphanet 217604, MedGen C0007193, MeSH D002311, MONDO:0005021, HP:0001644. Inheritance: Various modes of inheritance.

Submission:

Labcorp Genetics (formerly Invitae), Labcorp
Classification: Uncertain significance for Primary dilated cardiomyopathy. Last evaluated: 2019-02-01. Review status: criteria provided, single submitter. Criteria: Invitae Variant Classification Sherloc (09022015). Collection method: clinical testing. Allele origin: germline.
Comment: This variant is not present in population databases (ExAC no frequency). In summary, the available evidence is currently insufficient to determine the role of this variant in disease. Therefore, it has been classified as a Variant of Uncertain Significance. The current clinical and genetic evidence is not sufficient to establish whether loss-of-function variants in NEBL cause disease. This variant has not been reported in the literature in individuals with NEBL-related conditions. This sequence change creates a premature translational stop signal (p.Phe58*) in the NEBL gene. It is expected to result in an absent or disrupted protein product.

NM_006393.3(NEBL):c.173_174del (p.Glu57_Phe58insTer)

Gene: NEBL (nebulette; minus strand). Cytogenetic location: 10p12.31.
Variant type: Deletion.
Coding change: c.173_174del on transcript NM_006393.3 (MANE Select); coding-DNA positions 173 to 174, 2 bases deleted (TT; older notation c.173_174delTT).
Protein change: p.Glu57_Phe58insTer.
Molecular consequence: nonsense. On other transcripts: intron variant (9).
Genome position (GRCh38, 1-based): chr10:20,889,929-20,889,930, AA deleted on the plus strand (TT on the coding strand, the reverse complement: NEBL is on the minus strand); deleting any 2 consecutive bases within chr10:20,889,929-20,889,931 gives the same sequence; the c. name uses the placement nearest the transcript's 3' end. VCF-style (leftmost placement, unchanged base first): chr10-20889928-TAA-T. GRCh37 (hg19) VCF-style: chr10-21178857-TAA-T.
Other names: c.249+71742_249+71743del (NM_001377326.1, NM_001377327.1, NM_001377328.1); c.357+71742_357+71743del (NM_213569.2, NM_001173484.2, NM_001377322.1); c.300+71742_300+71743del (NM_001377324.1); c.291+71742_291+71743del (NM_001377325.1); c.309+71742_309+71743del (NM_001377323.1).
Identifiers: ClinVar variation 860803 (VCV000860803.8), dbSNP rs1846880633, ClinGen allele CA916081575.